The following is an entry in ClinVar:

NM_022916.6(VPS33A):c.541A>G (p.Thr181Ala)

Gene: VPS33A (VPS33A core subunit of CORVET and HOPS complexes; minus strand). Cytogenetic location: 12q24.31.
Variant type: single nucleotide variant.
Coding change: c.541A>G on transcript NM_022916.6 (MANE Select); coding-DNA position 541, A replaced by G.
Protein change: p.Thr181Ala; replaces threonine 181 with alanine.
Molecular consequence: missense variant.
Genome position (GRCh38, 1-based): chr12:122,251,042, T>C on the plus strand (A>G on the coding strand, the complement: VPS33A is on the minus strand). VCF-style: chr12-122251042-T-C. GRCh37 (hg19) VCF-style: chr12-122735589-T-C.
Other names: c.508A>G, p.Thr170Ala (NM_001351018.2); c.493A>G, p.Thr165Ala (NM_001351019.2); c.541A>G, p.Thr181Ala (NM_001351020.2); short protein forms T181A, T170A, T165A.
Identifiers: ClinVar variation 1995659 (VCV001995659.3), dbSNP rs2547170471, ClinGen allele CA387018438.

ClinVar aggregate classification (germline): Uncertain significance (1 of 4 stars; one submission).

Submission:

Labcorp Genetics (formerly Invitae), Labcorp
Classification: Uncertain significance. Last evaluated: 2022-07-14. Review status: criteria provided, single submitter. Criteria: Invitae Variant Classification Sherloc (09022015). Collection method: clinical testing. Allele origin: germline.
Comment: This variant is not present in population databases (gnomAD no frequency). This sequence change replaces threonine, which is neutral and polar, with alanine, which is neutral and non-polar, at codon 181 of the VPS33A protein (p.Thr181Ala). This variant has not been reported in the literature in individuals affected with VPS33A-related conditions. Algorithms developed to predict the effect of missense changes on protein structure and function (SIFT, PolyPhen-2, Align-GVGD) all suggest that this variant is likely to be tolerated. In summary, the available evidence is currently insufficient to determine the role of this variant in disease. Therefore, it has been classified as a Variant of Uncertain Significance.